The following is an entry in ClinVar:

NM_001159773.2(CANT1):c.*1149C>T

Gene: CANT1 (calcium activated nucleotidase 1; minus strand). Cytogenetic location: 17q25.3.
Variant type: single nucleotide variant.
Coding change: c.*1149C>T on transcript NM_001159773.2 (MANE Select); 1149 bases downstream of the stop codon, C replaced by T.
Molecular consequence: 3 prime UTR variant.
Genome position (GRCh38, 1-based): chr17:78,992,401, G>A on the plus strand (C>T on the coding strand, the complement: CANT1 is on the minus strand). VCF-style: chr17-78992401-G-A. GRCh37 (hg19) VCF-style: chr17-76988483-G-A.
Other names: c.*1149C>T (NM_001159772.2, NM_138793.4).
Identifiers: ClinVar variation 890147 (VCV000890147.4), dbSNP rs114706748, ClinGen allele CA294808964.
Genomic context (GRCh38, chr17:78,992,401, plus strand): 5'-GAGGTAGTGCTGTGGGGAGGGCACTGTGAATGATGGAAACGTCCCTTCTCAGCCTGGGTC[G>A]TGCCTAACCTGGGTCTCAAATCCCACTCTGCCTTCACCCTGGAGTACACTCCAGCGAAGC-3'

ClinVar aggregate classification (germline): Benign (1 of 4 stars; one submission).

Conditions:
Desbuquois dysplasia 1 (DBQD1). Also called: MICROMELIC DWARFISM WITH VERTEBRAL AND METAPHYSEAL ABNORMALITIES AND ADVANCED CARPOTARSAL OSSIFICATION; DESBUQUOIS DYSPLASIA 1, KIM VARIANT. Identifiers: Orphanet 1425, MedGen C4012146, MONDO:0009629, OMIM 251450.

Allele frequency attached by ClinVar (database versions not stated): 1000 Genomes Project 30x 0.00562; TOPMed 0.00674; 1000 Genomes Project 0.00499; gnomAD 0.00568.

Submission:

Illumina Laboratory Services, Illumina
Classification: Benign for Desbuquois dysplasia 1. Last evaluated: 2018-01-12. Review status: criteria provided, single submitter. Criteria: ICSL Variant Classification Criteria 13 December 2019. Collection method: clinical testing. Allele origin: germline.
Comment: This variant was observed in the ICSL laboratory as part of a predisposition screen in an ostensibly healthy population. It had not been previously curated by ICSL or reported in the Human Gene Mutation Database (HGMD: prior to June 1st, 2018), and was therefore a candidate for classification through an automated scoring system. Utilizing variant allele frequency, disease prevalence and penetrance estimates, and inheritance mode, an automated score was calculated to assess if this variant is too frequent to cause the disease. Based on the score and internal cut-off values, a variant classified as benign is not then subjected to further curation. The score for this variant resulted in a classification of benign for this disease.